The following is an entry in ClinVar:

NM_000271.5(NPC1):c.1567_1568del (p.Leu523fs)

Gene: NPC1 (NPC intracellular cholesterol transporter 1; minus strand). Cytogenetic location: 18q11.2.
Variant type: Microsatellite.
Coding change: c.1567_1568del on transcript NM_000271.5 (MANE Select); coding-DNA positions 1567 to 1568, 2 bases deleted (CT; older notation c.1567_1568delCT).
Protein change: p.Leu523fs; shifts the reading frame from leucine 523.
Molecular consequence: frameshift variant.
Genome position (GRCh38, 1-based): chr18:23,551,713-23,551,714, AG deleted on the plus strand (CT on the coding strand, the reverse complement: NPC1 is on the minus strand); deleting any 2 consecutive bases within chr18:23,551,713-23,551,718 gives the same sequence; the c. name uses the placement nearest the transcript's 3' end. VCF-style (leftmost placement, unchanged base first): chr18-23551712-CAG-C. GRCh37 (hg19) VCF-style: chr18-21131676-CAG-C.
Other names: short protein forms L523fs.
Identifiers: ClinVar variation 4818048 (VCV004818048.1).
Genomic context (GRCh38, chr18:23,551,712, plus strand): 5'-CGGGAACACTGGTCCACCAAACGTACCCAGACAAGGGTCATGGAGCAAACTTGTATCATT[CAG>C]AGAGGCAGGAGCCCTGCCAAAAAGTTTAGAAAACACCTCCCAGTTAGAAGGGCCTCAAGA-3'

ClinVar aggregate classification (germline): Likely pathogenic (1 of 4 stars; one submission).

Conditions:
Niemann-Pick disease, type C1. Also called: NIEMANN-PICK DISEASE, VARIANT TYPE C1; NEUROVISCERAL STORAGE DISEASE WITH VERTICAL SUPRANUCLEAR OPHTHALMOPLEGIA; NIEMANN-PICK DISEASE WITH CHOLESTEROL ESTERIFICATION BLOCK; NIEMANN-PICK DISEASE WITHOUT SPHINGOMYELINASE DEFICIENCY; NIEMANN-PICK DISEASE, CHRONIC NEURONOPATHIC FORM. Identifiers: Orphanet 646, MedGen C3179455, MONDO:0009757, OMIM 257220.

Submission:

Natera, Inc.
Classification: Likely pathogenic for Niemann-Pick disease type C1. Last evaluated: 2024-08-19. Review status: criteria provided, single submitter. Criteria: Natera Variant Classification Schema (03/2026). Collection method: clinical testing. Allele origin: germline.
Comment: The c.1567_1568del variant in NPC1 is a frameshift variant predicted to shift the reading frame beginning at codon 523 and leads to a stop codon 2 codons downstream. This variant is expected to result in nonsense mediated decay, truncation, or a dysfunctional protein product. This variant is rare in the general population with a frequency below the threshold expected for the associated phenotype(s). Given the available evidence, this variant is classified as Likely Pathogenic.